The following is an entry in ClinVar:

NM_004991.4(MECOM):c.2023T>C (p.Ser675Pro)

Gene: MECOM (MDS1 and EVI1 complex locus; minus strand). Cytogenetic location: 3q26.2.
Variant type: single nucleotide variant.
Coding change: c.2023T>C on transcript NM_004991.4 (MANE Select); coding-DNA position 2023, T replaced by C.
Protein change: p.Ser675Pro; replaces serine 675 with proline.
Molecular consequence: missense variant. On other transcripts: intron variant (2).
Genome position (GRCh38, 1-based): chr3:169,115,849, A>G on the plus strand (T>C on the coding strand, the complement: MECOM is on the minus strand). VCF-style: chr3-169115849-A-G. GRCh37 (hg19) VCF-style: chr3-168833637-A-G.
Other names: c.1654T>C, p.Ser552Pro (NM_001105077.4); c.1459T>C, p.Ser487Pro (NM_001105078.4, NM_001164000.2, NM_001205194.2 and 4 more transcripts); c.1462T>C, p.Ser488Pro (NM_001163999.2, NM_001366467.2, NM_001366468.2 and 1 more transcripts); c.2023T>C, p.Ser675Pro (NM_001366466.2); c.1133-82T>C (NM_001366473.2); c.569-82T>C (NM_001366474.2); c.2023T>C (NM_004991.3); short protein forms S487P, S488P, S552P, S675P.
Identifiers: ClinVar variation 2816558 (VCV002816558.4), dbSNP rs1255767773, ClinGen allele CA355086481.

ClinVar aggregate classification (germline): Uncertain significance. Review status: criteria provided, multiple submitters, no conflicts (2 of 4 stars). 2 submissions from 2 submitters: Uncertain significance (2). Last evaluated 2025-02-27.

Conditions:
Inborn genetic diseases. Identifiers: MedGen C0950123, MeSH D030342.

Allele frequency attached by ClinVar (database versions not stated): gnomAD exomes below 0.00001; TOPMed below 0.00001; gnomAD 0.00001.
gnomAD v4.1: 3 of 1,613,976 alleles (0.00019%); highest among the groups gnomAD compares: Middle Eastern, 0.016%; no homozygotes.

Submissions (2):

Ambry Genetics
Classification: Uncertain significance for Inborn genetic diseases. Last evaluated: 2025-02-27. Review status: criteria provided, single submitter. Criteria: Ambry Variant Classification Scheme 2023. Collection method: clinical testing. Allele origin: germline.
Comment: The p.S675P variant (also known as c.2023T>C), located in coding exon 8 of the MECOM gene, results from a T to C substitution at nucleotide position 2023. The serine at codon 675 is replaced by proline, an amino acid with similar properties. This amino acid position is conserved. In addition, the in silico prediction for this alteration is inconclusive. Based on the available evidence, the clinical significance of this variant remains unclear.

Labcorp Genetics (formerly Invitae), Labcorp
Classification: Uncertain significance. Last evaluated: 2023-12-15. Review status: criteria provided, single submitter. Criteria: Invitae Variant Classification Sherloc (09022015). Collection method: clinical testing. Allele origin: germline.
Comment: This sequence change replaces serine, which is neutral and polar, with proline, which is neutral and non-polar, at codon 487 of the MECOM protein (p.Ser487Pro). This variant is present in population databases (no rsID available, gnomAD 0.007%). This variant has not been reported in the literature in individuals affected with MECOM-related conditions. An algorithm developed to predict the effect of missense changes on protein structure and function (PolyPhen-2) suggests that this variant is likely to be disruptive. In summary, the available evidence is currently insufficient to determine the role of this variant in disease. Therefore, it has been classified as a Variant of Uncertain Significance.